The following is an entry in ClinVar:

ClinVar aggregate classification (germline): Uncertain significance (1 of 4 stars; one submission).

Conditions:
Inborn genetic diseases. Identifiers: MedGen C0950123, MeSH D030342.

gnomAD v4.1: 1 of 1,613,640 alleles (0.000062%); highest among the groups gnomAD compares: Non-Finnish European, 0.000085%; no homozygotes.

Submission:

Ambry Genetics
Classification: Uncertain significance for Inborn genetic diseases. Last evaluated: 2025-06-07. Review status: criteria provided, single submitter. Criteria: Ambry Variant Classification Scheme 2023. Collection method: clinical testing. Allele origin: germline.
Comment: The p.S422T variant (also known as c.1265G>C), located in coding exon 10 of the FANCG gene, results from a G to C substitution at nucleotide position 1265. The serine at codon 422 is replaced by threonine, an amino acid with similar properties. This amino acid position is conserved. In addition, this alteration is predicted to be tolerated by in silico analysis. Based on the available evidence, the clinical significance of this variant remains unclear.

NM_004629.2(FANCG):c.1265G>C (p.Ser422Thr)

Gene: FANCG (FA complementation group G; minus strand). Cytogenetic location: 9p13.3.
Variant type: single nucleotide variant.
Coding change: c.1265G>C on transcript NM_004629.2 (MANE Select); coding-DNA position 1265, G replaced by C.
Protein change: p.Ser422Thr; replaces serine 422 with threonine.
Molecular consequence: missense variant.
Genome position (GRCh38, 1-based): chr9:35,075,633, C>G on the plus strand (G>C on the coding strand, the complement: FANCG is on the minus strand). VCF-style: chr9-35075633-C-G. GRCh37 (hg19) VCF-style: chr9-35075630-C-G.
Other names: short protein forms S422T.
Identifiers: ClinVar variation 4022554 (VCV004022554.1).